The following is an entry in ClinVar:

ClinVar aggregate classification (germline): Uncertain significance (0 of 4 stars; one submission).

Conditions:
COL12A1-related disorder. Also called: COL12A1-related condition.

Submission:

PreventionGenetics, part of Exact Sciences
Classification: Uncertain significance for COL12A1-related condition. Last evaluated: 2024-09-03. Review status: no assertion criteria provided. Collection method: clinical testing. Allele origin: germline.
Comment: The COL12A1 c.3864G>C variant is predicted to result in the amino acid substitution p.Gln1288His. To our knowledge, this variant has not been reported in the literature or in a large population database, indicating this variant is rare. At this time, the clinical significance of this variant is uncertain due to the absence of conclusive functional and genetic evidence.

NM_004370.6(COL12A1):c.3864G>C (p.Gln1288His)

Gene: COL12A1 (collagen type XII alpha 1 chain; minus strand). Cytogenetic location: 6q13.
Variant type: single nucleotide variant.
Coding change: c.3864G>C on transcript NM_004370.6 (MANE Select); coding-DNA position 3864, G replaced by C.
Protein change: p.Gln1288His; replaces glutamine 1288 with histidine.
Molecular consequence: missense variant.
Genome position (GRCh38, 1-based): chr6:75,152,003, C>G on the plus strand (G>C on the coding strand, the complement: COL12A1 is on the minus strand). VCF-style: chr6-75152003-C-G. GRCh37 (hg19) VCF-style: chr6-75861719-C-G.
Other names: c.3591G>C, p.Gln1197His (NM_001424115.1); c.372G>C, p.Gln124His (NM_001424116.1, NM_080645.3); c.3864G>C, p.Gln1288His (NM_001424113.1, NM_001424114.1); short protein forms Q1197H, Q124H, Q1288H.
Identifiers: ClinVar variation 2633170 (VCV002633170.2), dbSNP rs2533399233, ClinGen allele CA364748546.